The following is an entry in ClinVar:

ClinVar aggregate classification (germline): Uncertain significance. Review status: criteria provided, multiple submitters, no conflicts (2 of 4 stars). 3 submissions from 3 submitters: Uncertain significance (3). Last evaluated 2025-08-07.

Conditions:
Inborn genetic diseases. Identifiers: MedGen C0950123, MeSH D030342.

Allele frequency attached by ClinVar (database versions not stated): gnomAD 0.00001; TOPMed 0.00002.
gnomAD v4.1: 36 of 1,612,262 alleles (0.0022%); highest among the groups gnomAD compares: Non-Finnish European, 0.0028%; no homozygotes.

Submissions (3):

Ambry Genetics
Classification: Uncertain significance for Inborn genetic diseases. Last evaluated: 2025-08-07. Review status: criteria provided, single submitter. Criteria: Ambry Variant Classification Scheme 2023. Collection method: clinical testing. Allele origin: germline.

Mayo Clinic Laboratories, Mayo Clinic
Classification: Uncertain significance. Last evaluated: 2023-04-20. Review status: criteria provided, single submitter. Criteria: ACMG Guidelines, 2015. Collection method: clinical testing. Allele origin: germline. Observed: 1 variant allele.
Comment: BP4

Labcorp Genetics (formerly Invitae), Labcorp
Classification: Uncertain significance. Last evaluated: 2022-08-23. Review status: criteria provided, single submitter. Criteria: Invitae Variant Classification Sherloc (09022015). Collection method: clinical testing. Allele origin: germline.
Comment: This sequence change replaces threonine, which is neutral and polar, with asparagine, which is neutral and polar, at codon 486 of the DNAJC21 protein (p.Thr486Asn). This variant is present in population databases (rs762419927, gnomAD 0.008%). This variant has not been reported in the literature in individuals affected with DNAJC21-related conditions. Algorithms developed to predict the effect of missense changes on protein structure and function are either unavailable or do not agree on the potential impact of this missense change (SIFT: "Deleterious"; PolyPhen-2: "Probably Damaging"; Align-GVGD: "Class C0"). In summary, the available evidence is currently insufficient to determine the role of this variant in disease. Therefore, it has been classified as a Variant of Uncertain Significance.

NM_001012339.3(DNAJC21):c.1457C>A (p.Thr486Asn)

Gene: DNAJC21 (DnaJ heat shock protein family (Hsp40) member C21; plus strand). Cytogenetic location: 5p13.2.
Variant type: single nucleotide variant.
Coding change: c.1457C>A on transcript NM_001012339.3 (MANE Select); coding-DNA position 1457, C replaced by A.
Protein change: p.Thr486Asn; replaces threonine 486 with asparagine.
Molecular consequence: missense variant.
Genome position (GRCh38, 1-based): chr5:34,954,575, C>A. VCF-style: chr5-34954575-C-A. GRCh37 (hg19) VCF-style: chr5-34954680-C-A.
Other names: p.Thr486Asn; c.1592C>A (NM_194283.3); c.1496C>A, p.Thr499Asn (NM_001348420.2); c.1592C>A, p.Thr531Asn (NM_194283.4); short protein forms T486N, T499N, T531N.
Identifiers: ClinVar variation 2418486 (VCV002418486.4), dbSNP rs762419927, ClinGen allele CA3228866.